The following is an entry in ClinVar:

ClinVar aggregate classification (germline): Uncertain significance (1 of 4 stars; one submission).

Submission:

Labcorp Genetics (formerly Invitae), Labcorp
Classification: Uncertain significance. Last evaluated: 2022-03-19. Review status: criteria provided, single submitter. Criteria: Invitae Variant Classification Sherloc (09022015). Collection method: clinical testing. Allele origin: germline.
Comment: This variant has not been reported in the literature in individuals affected with TUBB2B-related conditions. In summary, the available evidence is currently insufficient to determine the role of this variant in disease. Therefore, it has been classified as a Variant of Uncertain Significance. Experimental studies and prediction algorithms are not available or were not evaluated, and the functional significance of this variant is currently unknown. This variant is not present in population databases (gnomAD no frequency). This sequence change affects the initiator methionine of the TUBB2B mRNA. The next in-frame methionine is located at codon 73.

NM_178012.5(TUBB2B):c.3G>A (p.Met1Ile)

Gene: TUBB2B (tubulin beta 2B class IIb; minus strand). Cytogenetic location: 6p25.2.
Variant type: single nucleotide variant.
Coding change: c.3G>A on transcript NM_178012.5 (MANE Select); coding-DNA position 3, G replaced by A.
Protein change: p.Met1Ile; changes the start codon (methionine 1).
Molecular consequence: missense variant, initiator codon variant.
Genome position (GRCh38, 1-based): chr6:3,227,541, C>T on the plus strand (G>A on the coding strand, the complement: TUBB2B is on the minus strand). VCF-style: chr6-3227541-C-T. GRCh37 (hg19) VCF-style: chr6-3227775-C-T.
Other names: short protein forms M1I.
Identifiers: ClinVar variation 2114267 (VCV002114267.5), dbSNP rs2533621502, ClinGen allele CA362590456.